The following is an entry in ClinVar:

ClinVar aggregate classification (germline): Uncertain significance (1 of 4 stars; one submission).

Submission:

Labcorp Genetics (formerly Invitae), Labcorp
Classification: Uncertain significance. Last evaluated: 2025-09-30. Review status: criteria provided, single submitter. Criteria: Invitae Variant Classification Sherloc (09022015). Collection method: clinical testing. Allele origin: germline.
Comment: This sequence change replaces proline, which is neutral and non-polar, with serine, which is neutral and polar, at codon 307 of the KIF11 protein (p.Pro307Ser). This variant is not present in population databases (gnomAD no frequency). This variant has not been reported in the literature in individuals affected with KIF11-related conditions. Invitae Evidence Modeling of protein sequence and biophysical properties (such as structural, functional, and spatial information, amino acid conservation, physicochemical variation, residue mobility, and thermodynamic stability) indicates that this missense variant is not expected to disrupt KIF11 protein function with a negative predictive value of 95%. In summary, the available evidence is currently insufficient to determine the role of this variant in disease. Therefore, it has been classified as a Variant of Uncertain Significance.

NM_004523.4(KIF11):c.919C>T (p.Pro307Ser)

Gene: KIF11 (kinesin family member 11; plus strand). Cytogenetic location: 10q23.33.
Variant type: single nucleotide variant.
Coding change: c.919C>T on transcript NM_004523.4 (MANE Select); coding-DNA position 919, C replaced by T.
Protein change: p.Pro307Ser; replaces proline 307 with serine.
Molecular consequence: missense variant.
Genome position (GRCh38, 1-based): chr10:92,613,506, C>T. VCF-style: chr10-92613506-C-T. GRCh37 (hg19) VCF-style: chr10-94373263-C-T.
Other names: short protein forms P307S.
Identifiers: ClinVar variation 4709682 (VCV004709682.1).